The following is an entry in ClinVar:

NM_001378902.1(ROS1):c.5724C>T (p.Ala1908=)

Gene: ROS1 (ROS proto-oncogene 1, receptor tyrosine kinase; minus strand). Cytogenetic location: 6q22.1.
Variant type: single nucleotide variant.
Coding change: c.5724C>T on transcript NM_001378902.1 (MANE Select); coding-DNA position 5724, C replaced by T.
Protein change: p.Ala1908=; no amino-acid change (alanine 1908 retained).
Molecular consequence: synonymous variant.
Genome position (GRCh38, 1-based): chr6:117,321,294, G>A on the plus strand (C>T on the coding strand, the complement: ROS1 is on the minus strand). VCF-style: chr6-117321294-G-A. GRCh37 (hg19) VCF-style: chr6-117642457-G-A.
Other names: c.5730C>T, p.Ala1910= (NM_001378891.1); c.5742C>T, p.Ala1914= (NM_002944.3).
Identifiers: ClinVar variation 3770453 (VCV003770453.13).

ClinVar aggregate classification (germline): Benign (1 of 4 stars; one submission).

gnomAD v4.1: 11,294 of 1,613,684 alleles (0.7%); highest among the groups gnomAD compares: Admixed American, 11%; 624 homozygotes.

Submission:

CeGaT Center for Human Genetics Tuebingen
Classification: Benign. Last evaluated: 2025-02-01. Review status: criteria provided, single submitter. Criteria: CeGaT Center For Human Genetics Tuebingen Variant Classification Criteria Version 2. Collection method: clinical testing. Allele origin: germline. Affected: yes. Observed: 1 variant allele.
Comment: ROS1: BP4, BP7, BS1, BS2